The following is an entry in ClinVar:

NM_001131016.2(CIZ1):c.682+5G>C

Gene: CIZ1 (CDKN1A interacting zinc finger protein 1; minus strand). Cytogenetic location: 9q34.11.
Variant type: single nucleotide variant.
Coding change: c.682+5G>C on transcript NM_001131016.2 (MANE Select); 5 bases into the intron after coding-DNA position 682, G replaced by C.
Molecular consequence: intron variant.
Genome position (GRCh38, 1-based): chr9:128,180,716, C>G on the plus strand (G>C on the coding strand, the complement: CIZ1 is on the minus strand). VCF-style: chr9-128180716-C-G. GRCh37 (hg19) VCF-style: chr9-130942995-C-G.
Other names: c.682+5G>C (NM_001131015.2, NM_012127.3); c.772+5G>C (NM_001257975.2); c.379+5G>C (NM_001257976.2); c.610+5G>C (NM_001131018.2); c.667+5G>C (NM_001131017.2).
Identifiers: ClinVar variation 2154367 (VCV002154367.4), dbSNP rs751820292, ClinGen allele CA5257514.

ClinVar aggregate classification (germline): Uncertain significance (1 of 4 stars; one submission).

Conditions:
Dystonic disorder. Also called: Dystonia. Identifiers: MedGen C0013421, MONDO:0003441, HP:0001332.

Allele frequency attached by ClinVar (database versions not stated): ExAC 0.00001.

Submission:

Labcorp Genetics (formerly Invitae), Labcorp
Classification: Uncertain significance for Dystonic disorder. Last evaluated: 2024-06-04. Review status: criteria provided, single submitter. Criteria: Invitae Variant Classification Sherloc (09022015). Collection method: clinical testing. Allele origin: germline.
Comment: This sequence change falls in intron 6 of the CIZ1 gene. It does not directly change the encoded amino acid sequence of the CIZ1 protein. It affects a nucleotide within the consensus splice site. This variant is present in population databases (rs751820292, gnomAD 0.004%). This variant has not been reported in the literature in individuals affected with CIZ1-related conditions. ClinVar contains an entry for this variant (Variation ID: 2154367). Variants that disrupt the consensus splice site are a relatively common cause of aberrant splicing (PMID: 17576681, 9536098). Algorithms developed to predict the effect of sequence changes on RNA splicing suggest that this variant is not likely to affect RNA splicing. In summary, the available evidence is currently insufficient to determine the role of this variant in disease. Therefore, it has been classified as a Variant of Uncertain Significance.

Literature cited by the submitters: PubMed 17576681; PubMed 9536098.